The following is an entry in ClinVar:

ClinVar aggregate classification (germline): Uncertain significance (1 of 4 stars; one submission).

Conditions:
Inborn genetic diseases. Identifiers: MedGen C0950123, MeSH D030342.

Submission:

Ambry Genetics
Classification: Uncertain significance for Inborn genetic diseases. Last evaluated: 2025-02-28. Review status: criteria provided, single submitter. Criteria: Ambry Variant Classification Scheme 2023. Collection method: clinical testing. Allele origin: germline.
Comment: The p.R40K variant (also known as c.119G>A), located in coding exon 2 of the PAX5 gene, results from a G to A substitution at nucleotide position 119. The arginine at codon 40 is replaced by lysine, an amino acid with highly similar properties. This amino acid position is conserved. In addition, this alteration is predicted to be deleterious by in silico analysis. Based on the available evidence, the clinical significance of this variant remains unclear.

NM_016734.3(PAX5):c.119G>A (p.Arg40Lys)

Gene: PAX5 (paired box 5; minus strand). Cytogenetic location: 9p13.2.
Variant type: single nucleotide variant.
Coding change: c.119G>A on transcript NM_016734.3 (MANE Select); coding-DNA position 119, G replaced by A.
Protein change: p.Arg40Lys; replaces arginine 40 with lysine.
Molecular consequence: missense variant. On other transcripts: non-coding transcript variant (2), intron variant (2).
Genome position (GRCh38, 1-based): chr9:37,020,729, C>T on the plus strand (G>A on the coding strand, the complement: PAX5 is on the minus strand). VCF-style: chr9-37020729-C-T. GRCh37 (hg19) VCF-style: chr9-37020726-C-T.
Other names: c.119G>A, p.Arg40Lys (NM_001280547.2, NM_001280548.2, NM_001280549.2 and 5 more transcripts); c.-112-5535G>A (NM_001280551.2, NM_001280556.2); short protein forms R40K.
Identifiers: ClinVar variation 3885971 (VCV003885971.1).